The following is an entry in ClinVar:

NM_002448.3(MSX1):c.741_750del (p.Pro248fs)

Gene: MSX1 (msh homeobox 1; plus strand). Cytogenetic location: 4p16.2.
Variant type: Deletion.
Coding change: c.741_750del on transcript NM_002448.3 (MANE Select); coding-DNA positions 741 to 750, 10 bases deleted (ACCGGCTGCC; older notation c.741_750delACCGGCTGCC).
Protein change: p.Pro248fs; shifts the reading frame from proline 248.
Molecular consequence: frameshift variant.
Genome position (GRCh38, 1-based): chr4:4,862,972-4,862,981, ACCGGCTGCC deleted; deleting any 10 consecutive bases within chr4:4,862,966-4,862,981 gives the same sequence; the c. name uses the placement nearest the transcript's 3' end. VCF-style (leftmost placement, unchanged base first): chr4-4862965-TGCTGCCACCG-T. GRCh37 (hg19) VCF-style: chr4-4864692-TGCTGCCACCG-T.
Other names: short protein forms P248fs.
Identifiers: ClinVar variation 1406234 (VCV001406234.6), dbSNP rs2108778693, ClinGen allele CA2573137595.

ClinVar aggregate classification (germline): Uncertain significance (1 of 4 stars; one submission).

Conditions:
Hypoplastic enamel-onycholysis-hypohidrosis syndrome (TNS). Also called: NAIL DYSPLASIA WITH HYPODONTIA; ECTODERMAL DYSPLASIA 3, TOOTH/NAIL TYPE; ECTODERMAL DYSPLASIA 3, WITKOP TYPE; WITKOP SYNDROME; Tooth-and-Nail Syndrome. Identifiers: Orphanet 2228, MedGen C0406735, MONDO:0008582, OMIM 189500.

Submission:

Labcorp Genetics (formerly Invitae), Labcorp
Classification: Uncertain significance for Hypoplastic enamel-onycholysis-hypohidrosis syndrome. Last evaluated: 2021-07-17. Review status: criteria provided, single submitter. Criteria: Invitae Variant Classification Sherloc (09022015). Collection method: clinical testing. Allele origin: germline.
Comment: In summary, the available evidence is currently insufficient to determine the role of this variant in disease. Therefore, it has been classified as a Variant of Uncertain Significance. This variant disrupts the C-terminus of the MSX1 protein. Other variant(s) that disrupt this region (p.Phe251*, p.Ala282Argfs*21) have been observed in individuals with MSX1-related conditions (PMID: 27917906; Invitae). This suggests that this may be a clinically significant region of the protein. This premature translational stop signal has been observed in individual(s) with oligodontia (Invitae). This variant is not present in population databases (ExAC no frequency). This sequence change creates a premature translational stop signal (p.Pro248Serfs*13) in the MSX1 gene. While this is not anticipated to result in nonsense mediated decay, it is expected to disrupt the last 56 amino acid(s) of the MSX1 protein.

Literature cited by the submitters: PubMed 27917906.